The following is an entry in ClinVar:

NM_152309.3(PIK3AP1):c.2099A>G (p.Lys700Arg)

Gene: PIK3AP1 (phosphoinositide-3-kinase adaptor protein 1; minus strand). Cytogenetic location: 10q24.1.
Variant type: single nucleotide variant.
Coding change: c.2099A>G on transcript NM_152309.3 (MANE Select); coding-DNA position 2099, A replaced by G.
Protein change: p.Lys700Arg; replaces lysine 700 with arginine.
Molecular consequence: missense variant.
Genome position (GRCh38, 1-based): chr10:96,609,783, T>C on the plus strand (A>G on the coding strand, the complement: PIK3AP1 is on the minus strand). VCF-style: chr10-96609783-T-C. GRCh37 (hg19) VCF-style: chr10-98369540-T-C.
Other names: short protein forms K700R.
Identifiers: ClinVar variation 1410059 (VCV001410059.8), dbSNP rs760856517, ClinGen allele CA377752411.

ClinVar aggregate classification (germline): Uncertain significance (1 of 4 stars; one submission).

Conditions:
Infantile spasms. Also called: Infantile spasm. Identifiers: MedGen C3887898, HP:0012469.

Submission:

Labcorp Genetics (formerly Invitae), Labcorp
Classification: Uncertain significance for Infantile spasms. Last evaluated: 2026-02-02. Review status: criteria provided, single submitter. Criteria: Invitae Variant Classification Sherloc (09022015). Collection method: clinical testing. Allele origin: germline.
Comment: This sequence change replaces lysine, which is basic and polar, with arginine, which is basic and polar, at codon 700 of the PIK3AP1 protein (p.Lys700Arg). This variant is not present in population databases (gnomAD no frequency). This variant has not been reported in the literature in individuals affected with PIK3AP1-related conditions. ClinVar contains an entry for this variant (Variation ID: 1410059). An algorithm developed to predict the effect of missense changes on protein structure and function (PolyPhen-2) suggests that this variant is likely to be tolerated. In summary, the available evidence is currently insufficient to determine the role of this variant in disease. Therefore, it has been classified as a Variant of Uncertain Significance.